The following is an entry in ClinVar:

NM_000289.6(PFKM):c.676G>A (p.Asp226Asn)

Gene: PFKM (phosphofructokinase, muscle; plus strand). Cytogenetic location: 12q13.11.
Variant type: single nucleotide variant.
Coding change: c.676G>A on transcript NM_000289.6 (MANE Select); coding-DNA position 676, G replaced by A.
Protein change: p.Asp226Asn; replaces aspartic acid 226 with asparagine.
Molecular consequence: missense variant. On other transcripts: non-coding transcript variant (6).
Genome position (GRCh38, 1-based): chr12:48,134,758, G>A. VCF-style: chr12-48134758-G-A. GRCh37 (hg19) VCF-style: chr12-48528541-G-A.
Other names: c.889G>A, p.Asp297Asn (NM_001166686.2, NM_001354737.1, NM_001354738.1 and 1 more transcripts); c.676G>A, p.Asp226Asn (NM_001166687.2, NM_001166688.2, NM_001354742.2 and 4 more transcripts); c.985G>A, p.Asp329Asn (NM_001354735.1, NM_001354736.1); c.820G>A, p.Asp274Asn (NM_001354740.1); c.700G>A, p.Asp234Asn (NM_001354741.2); c.589G>A, p.Asp197Asn (NM_001354745.2); c.526G>A, p.Asp176Asn (NM_001354747.2, NM_001354748.2); short protein forms D234N, D274N, D329N, D226N, D297N, D176N, D197N.
Identifiers: ClinVar variation 3713097 (VCV003713097.2).
Genomic context (GRCh38, chr12:48,134,758, plus strand): 5'-GATGCTTCTGACTCTCATCTCAGATACCTGGCCCTTGTCACCTCTCTGTCCTGTGGGGCC[G>A]ACTGGGTTTTTATTCCTGAATGTCCACCAGATGACGACTGGGAGGAACACCTTTGTCGCC-3'
Protein context (NP_000280.1, residues 216-236): ALVTSLSCGA[Asp226Asn]WVFIPECPPD

ClinVar aggregate classification (germline): Uncertain significance (1 of 4 stars; one submission).

Conditions:
Glycogen storage disease, type VII (GSD7). Also called: GSD VII; MUSCLE PHOSPHOFRUCTOKINASE DEFICIENCY; PFKM DEFICIENCY; TARUI DISEASE. Identifiers: Orphanet 371, MedGen C0017926, MONDO:0009295, OMIM 232800.

gnomAD v4.1: 14 of 1,614,082 alleles (0.00087%); highest among the groups gnomAD compares: East Asian, 0.0022%; no homozygotes.

Submission:

Labcorp Genetics (formerly Invitae), Labcorp
Classification: Uncertain significance for Glycogen storage disease, type VII. Last evaluated: 2024-04-02. Review status: criteria provided, single submitter. Criteria: Invitae Variant Classification Sherloc (09022015). Collection method: clinical testing. Allele origin: germline.
Comment: This sequence change replaces aspartic acid, which is acidic and polar, with asparagine, which is neutral and polar, at codon 226 of the PFKM protein (p.Asp226Asn). This variant is present in population databases (rs751714955, gnomAD 0.004%). This variant has not been reported in the literature in individuals affected with PFKM-related conditions. Advanced modeling of protein sequence and biophysical properties (such as structural, functional, and spatial information, amino acid conservation, physicochemical variation, residue mobility, and thermodynamic stability) performed at Invitae indicates that this missense variant is not expected to disrupt PFKM protein function with a negative predictive value of 80%. In summary, the available evidence is currently insufficient to determine the role of this variant in disease. Therefore, it has been classified as a Variant of Uncertain Significance.